The following is an entry in ClinVar:

NM_001348768.2(HECW2):c.606dup (p.Phe203fs)

Gene: HECW2 (HECT, C2 and WW domain containing E3 ubiquitin protein ligase 2; minus strand). Cytogenetic location: 2q32.3.
Variant type: Duplication.
Coding change: c.606dup on transcript NM_001348768.2 (MANE Select); coding-DNA position 606, one base duplicated (C; older notation c.606dupC).
Protein change: p.Phe203fs; shifts the reading frame from phenylalanine 203.
Molecular consequence: frameshift variant. On other transcripts: intron variant (1).
Genome position (GRCh38, 1-based): chr2:196,325,115, G duplicated on the plus strand (C on the coding strand, the reverse complement: HECW2 is on the minus strand). VCF-style (leftmost placement, unchanged base first): chr2-196325114-A-AG. GRCh37 (hg19) VCF-style: chr2-197189838-A-AG.
Other names: c.606dup, p.Phe203fs (NM_020760.4); c.-325-37dup (NM_001304840.3); short protein forms F203fs.
Identifiers: ClinVar variation 3602558 (VCV003602558.1).

ClinVar aggregate classification (germline): Uncertain significance (1 of 4 stars; one submission).

Submission:

GeneDx
Classification: Uncertain significance. Last evaluated: 2024-07-31. Review status: criteria provided, single submitter. Criteria: GeneDx Variant Classification Process June 2021. Collection method: clinical testing. Allele origin: germline. Affected: yes.
Comment: Not observed at significant frequency in large population cohorts (gnomAD); Frameshift variant predicted to result in protein truncation or nonsense mediated decay in a gene or region of a gene for which loss of function is not a well-established mechanism of disease; Has not been previously published as pathogenic or benign to our knowledge